The following is an entry in ClinVar:

ClinVar aggregate classification (germline): Uncertain significance (1 of 4 stars; one submission).

Conditions:
Hyperkalemic periodic paralysis. Also called: Familial hyperkalemic periodic paralysis; Gamstorp disease. Identifiers: Orphanet 682, MedGen C0238357, MONDO:0008224, OMIM 170500, HP:0007215.

Allele frequency attached by ClinVar (database versions not stated): gnomAD exomes below 0.00001.
gnomAD v4.1: 1 of 1,609,854 alleles (0.000062%); highest among the groups gnomAD compares: South Asian, 0.0011%; no homozygotes.

Submission:

Labcorp Genetics (formerly Invitae), Labcorp
Classification: Uncertain significance for Hyperkalemic periodic paralysis. Last evaluated: 2022-07-25. Review status: criteria provided, single submitter. Criteria: Invitae Variant Classification Sherloc (09022015). Collection method: clinical testing. Allele origin: germline.
Comment: In summary, the available evidence is currently insufficient to determine the role of this variant in disease. Therefore, it has been classified as a Variant of Uncertain Significance. Variants that disrupt the consensus splice site are a relatively common cause of aberrant splicing (PMID: 17576681, 9536098). Algorithms developed to predict the effect of sequence changes on RNA splicing suggest that this variant may disrupt the consensus splice site. This variant has not been reported in the literature in individuals affected with SCN4A-related conditions. This variant is not present in population databases (gnomAD no frequency). This sequence change falls in intron 3 of the SCN4A gene. It does not directly change the encoded amino acid sequence of the SCN4A protein. It affects a nucleotide within the consensus splice site.

Literature cited by the submitters: PubMed 17576681; PubMed 9536098.

NM_000334.4(SCN4A):c.482+3A>G

Gene: SCN4A (sodium voltage-gated channel alpha subunit 4; minus strand). Cytogenetic location: 17q23.3.
Variant type: single nucleotide variant.
Coding change: c.482+3A>G on transcript NM_000334.4 (MANE Select); 3 bases into the intron after coding-DNA position 482, A replaced by G.
Molecular consequence: intron variant.
Genome position (GRCh38, 1-based): chr17:63,972,133, T>C on the plus strand (A>G on the coding strand, the complement: SCN4A is on the minus strand). VCF-style: chr17-63972133-T-C. GRCh37 (hg19) VCF-style: chr17-62049493-T-C.
Identifiers: ClinVar variation 2094019 (VCV002094019.4), dbSNP rs2509324652, ClinGen allele CA2580094627.